The following is an entry in ClinVar:

NM_001082971.2(DDC):c.155C>T (p.Thr52Met)

Gene: DDC (dopa decarboxylase; minus strand). Cytogenetic location: 7p12.1.
Variant type: single nucleotide variant.
Coding change: c.155C>T on transcript NM_001082971.2 (MANE Select); coding-DNA position 155, C replaced by T.
Protein change: p.Thr52Met; replaces threonine 52 with methionine.
Molecular consequence: missense variant.
Genome position (GRCh38, 1-based): chr7:50,543,931, G>A on the plus strand (C>T on the coding strand, the complement: DDC is on the minus strand). VCF-style: chr7-50543931-G-A. GRCh37 (hg19) VCF-style: chr7-50611629-G-A.
Other names: c.155C>T, p.Thr52Met (NM_001242889.2, NM_001242890.2, NM_000790.4 and 3 more transcripts); short protein forms T52M.
Identifiers: ClinVar variation 4238354 (VCV004238354.2).

ClinVar aggregate classification (germline): Uncertain significance. Review status: criteria provided, multiple submitters, no conflicts (2 of 4 stars). 2 submissions from 2 submitters: Uncertain significance (2). Last evaluated 2025-08-11.

Conditions:
Inborn genetic diseases. Identifiers: MedGen C0950123, MeSH D030342.
Deficiency of aromatic-L-amino-acid decarboxylase. Also called: Aromatic L-Amino Acid Decarboxylase Deficiency; Aromatic amino acid decarboxylase deficiency; AADC DEFICIENCY; DDC DEFICIENCY; DOPA DECARBOXYLASE DEFICIENCY. Identifiers: Orphanet 35708, MedGen C1291564, MONDO:0012084, OMIM 608643.

gnomAD v4.1: 10 of 1,614,004 alleles (0.00062%); highest among the groups gnomAD compares: South Asian, 0.0033%; 1 homozygote.

Submissions (2):

Ambry Genetics
Classification: Uncertain significance for Inborn genetic diseases. Last evaluated: 2025-08-11. Review status: criteria provided, single submitter. Criteria: Ambry Variant Classification Scheme 2023. Collection method: clinical testing. Allele origin: germline.

3billion
Classification: Uncertain significance for Deficiency of aromatic-L-amino-acid decarboxylase. Last evaluated: 2025-03-07. Review status: criteria provided, single submitter. Criteria: ACMG Guidelines, 2015. Collection method: clinical testing. Allele origin: germline. Affected: yes.
Comment: The variant is observed at an extremely low frequency in the gnomAD v4.1.0 dataset (total allele frequency: <0.001%). Predicted Consequence/Location: Missense variant Therefore, this variant is classified as VUS according to the recommendation of ACMG/AMP guideline.